The following is an entry in ClinVar:

ClinVar aggregate classification (germline): Pathogenic/Likely pathogenic. Review status: criteria provided, multiple submitters, no conflicts (2 of 4 stars). 12 submissions from 12 submitters: Pathogenic (9); Likely pathogenic (1). 2 of the submissions do not count toward it. Last evaluated 2025-09-13.

Conditions:
Isolated thoracic aortic aneurysm.
ACTA2-related disorder. Also called: ACTA2-related condition; ACTA2-related disorders.
Familial thoracic aortic aneurysm and aortic dissection (TAAD). Also called: Thoracic aortic aneurysms and dissections. Identifiers: Orphanet 91387, MedGen C4707243, MONDO:0019625.
Aortic aneurysm, familial thoracic 6 (AAT6). Also called: FAMILIAL THORACIC AORTIC ANEURYSM WITH LIVEDO RETICULARIS AND IRIS FLOCCULI. Identifiers: MedGen C2673186, MONDO:0012730, OMIM 611788.

Submissions (12):

Labcorp Genetics (formerly Invitae), Labcorp
Classification: Pathogenic for Aortic aneurysm, familial thoracic 6. Last evaluated: 2025-09-13. Review status: criteria provided, single submitter. Criteria: Invitae Variant Classification Sherloc (09022015). Collection method: clinical testing. Allele origin: germline.
Comment: This sequence change replaces arginine, which is basic and polar, with glutamine, which is neutral and polar, at codon 212 of the ACTA2 protein (p.Arg212Gln). This variant is not present in population databases (gnomAD no frequency). This missense change has been observed in individual(s) with thoracic aortic disease (PMID: 19409525, 19639654). In at least one individual the variant was observed to be de novo. It has also been observed to segregate with disease in related individuals. ClinVar contains an entry for this variant (Variation ID: 44219). Invitae Evidence Modeling of protein sequence and biophysical properties (such as structural, functional, and spatial information, amino acid conservation, physicochemical variation, residue mobility, and thermodynamic stability) indicates that this missense variant is not expected to disrupt ACTA2 protein function with a negative predictive value of 80%. For these reasons, this variant has been classified as Pathogenic.

Color Diagnostics, LLC DBA Color Health
Classification: Pathogenic for Familial thoracic aortic aneurysm and aortic dissection. Last evaluated: 2025-07-16. Review status: criteria provided, single submitter. Criteria: ACMG Guidelines, 2015. Collection method: clinical testing. Allele origin: germline.
Comment: This missense variant replaces arginine with glutamine at codon 212 of the ACTA2 protein. Computational prediction suggests that this variant may have a deleterious impact on protein structure and function. To our knowledge, functional studies have not been reported for this variant. This variant has been reported in individuals affected with thoracic aortic aneurysm and dissection (PMID: 19409525, 19639654, 21248741, 24793577, 25759435, 28855619, 29687370, 34422331, 37042257), and has been reported to occur de novo in an affected individual (PMID: 19409525). It has been shown that this variant segregates with disease in multiple affected individuals across multiple families (PMID: 19409525, 19639654, 21248741, 29687370). This variant has not been identified in the general population by the Genome Aggregation Database (gnomAD). Based on the available evidence, this variant is classified as Pathogenic.

Ambry Genetics
Classification: Pathogenic for Familial thoracic aortic aneurysm and aortic dissection. Last evaluated: 2025-05-30. Review status: criteria provided, single submitter. Criteria: Ambry Variant Classification Scheme 2023. Collection method: clinical testing. Allele origin: germline.
Comment: The p.R212Q pathogenic mutation (also known as c.635G>A), located in coding exon 6 of the ACTA2 gene, results from a G to A substitution at nucleotide position 635. The arginine at codon 212 is replaced by glutamine, an amino acid with highly similar properties. This alteration has been described in families with thoracic aortic aneurysms and dissections (TAAD), co-segregating with disease in multiple relatives (Morisaki H et al. Hum Mutat. 2009;30:1406-11). In one study, this alteration was confirmed to be a de novo occurrence in a patient with premature stroke prior to presenting with acute aortic dissection (Guo DC et al. Am J Hum Genet. 2009;84:617-27). This variant is considered to be rare based on population cohorts in the Genome Aggregation Database (gnomAD). This amino acid position is highly conserved in available vertebrate species. In addition, this alteration is predicted to be deleterious by in silico analysis. Based on the supporting evidence, this variant is interpreted as a disease-causing mutation.

Blueprint Genetics
Classification: Pathogenic for ACTA2-related disorders. Last evaluated: 2024-07-02. Review status: criteria provided, single submitter. Criteria: ACMG Guidelines, 2015. Collection method: clinical testing. Allele origin: germline. Affected: yes. Observed: 5 variant alleles.

GeneDx
Classification: Pathogenic. Last evaluated: 2024-03-22. Review status: criteria provided, single submitter. Criteria: GeneDx Variant Classification Process June 2021. Collection method: clinical testing. Allele origin: germline. Affected: yes.
Comment: Not observed at significant frequency in large population cohorts (gnomAD); In silico analysis supports that this missense variant has a deleterious effect on protein structure/function; This variant is associated with the following publications: (PMID: 21248741, 33057194, 35982159, 34758253, 25759435, 25910212, 19409525, 19639654, 28855619, 24793577, 29687370, 30990720, 34422331, 33824467)

Institute of Human Genetics, Clinical Exome/Genome Diagnostics Group, University Hospital Bonn
Classification: Pathogenic for Aortic aneurysm, familial thoracic 6. Last evaluated: 2023-09-12. Review status: criteria provided, single submitter. Criteria: ACMG Guidelines, 2015. Collection method: clinical testing. Allele origin: de novo. Affected: yes.

Laboratory for Molecular Medicine, Mass General Brigham Personalized Medicine
Classification: Pathogenic for Familial thoracic aortic aneurysm and aortic dissection. Last evaluated: 2020-08-18. Review status: criteria provided, single submitter. Criteria: LMM Criteria. Collection method: clinical testing. Allele origin: germline. Observed: 1 variant allele.
Comment: The p.Arg212Gln variant in ACTA2 has been reported in at least 4 individuals (1 de novo, paternity confirmed) with familial thoracic aortic aneurysm disease (TAAD) and segregated with TAAD in 6 affected individuals from 1 family as well as with 1 sister with premature stroke and 1 mother with CAD from another family (Guo 2009 PMID: 19409525, Morisaki 2009 PMID: 19639654, Fang 2017 PMID: 28855619). It was absent from large population studies. Computational prediction tools and conservation analyses suggest that this variant may impact the protein, though this information is not predictive enough to determine pathogenicity. In summary, this variant meets criteria to be classified as pathogenic for autosomal dominant familial TAAD. ACMG/AMP Criteria applied: PS2, PP1_Strong, PM2, PP3, PS4_Supporting.

Women's Health and Genetics/Laboratory Corporation of America, LabCorp
Classification: Pathogenic for Familial thoracic aortic aneurysm and aortic dissection. Last evaluated: 2019-10-24. Review status: criteria provided, single submitter. Criteria: LabCorp Variant Classification Summary - May 2015. Collection method: clinical testing. Allele origin: germline.
Comment: Variant summary: ACTA2 c.635G>A (p.Arg212Gln) results in a conservative amino acid change in the encoded protein sequence. Four of five in-silico tools predict a damaging effect of the variant on protein function. The variant was absent in 250572 control chromosomes (gnomAD). c.635G>A has been reported in the literature in multiple individuals affected with Thoracic Aortic Aneurysms and Dissections, premature stroke, and CAD (Morisaki_2009, Guo_2009, Fang_2017). These data indicate that the variant is very likely to be associated with disease. To our knowledge, no experimental evidence demonstrating an impact on protein function has been reported. Four ClinVar submissions (evaluation after 2014) cites the variant once as likely pathogenic and three times as pathogenic. Based on the evidence outlined above, the variant was classified as pathogenic.

Illumina Laboratory Services, Illumina
Classification: Pathogenic for ACTA2-Related Disorders. Last evaluated: 2018-10-22. Review status: criteria provided, single submitter. Criteria: ICSL Variant Classification Criteria 09 May 2019. Collection method: clinical testing. Allele origin: germline.
Comment: The ACTA2 c.635G>A (p.Arg212Gln) missense variant has been reported in at least five studies in which it is found in at least seven individuals including in a heterozygous state in at least four individuals with thoracic aortic aneurysms and aortic dissections, two with annuloaortic ectasia, and one with Moyamoya disease (Guo et al. 2009; Morisaki et al. 2009; Regalado et al. 2015; Fang et al. 2017; Volozonoka et al. 2018). The p.Arg212Gln variant was shown to segregate with disease in three different families including one family where the p.Arg212Gln variant was observed de novo (paternity confirmed) and two other families where the p.Arg212Gln was detected in four other affected family members and absent in five healthy family members over at least two generations (Guo et al. 2009; Morisaki et al. 2009). The p.Arg212Gln variant was absent from 382 controls and is not found in the 1000 Genomes project, the Exome Sequencing Project, the Exome Aggregation Consortium, or the Genome Aggregation Database, in a region with good sequence coverage, and hence is presumed to be rare. Based on the collective evidence, the p.Arg212Gln variant is classified as pathogenic for ACTA2-related disorders. This variant was observed by ICSL as part of a predisposition screen in an ostensibly healthy population.

Department of Vascular Biology, Beijing Anzhen Hospital
Classification: Likely pathogenic for Isolated thoracic aortic aneurysm. Last evaluated: 2018-09-01. Review status: criteria provided, single submitter. Criteria: ACMG Guidelines, 2015. Collection method: research. Allele origin: germline. Affected: yes.

PreventionGenetics, part of Exact Sciences
Classification: Pathogenic for ACTA2-related condition. Last evaluated: 2024-01-03. Review status: no assertion criteria provided. Collection method: clinical testing. Allele origin: germline. Not counted in ClinVar's aggregate classification.
Comment: The ACTA2 c.635G>A variant is predicted to result in the amino acid substitution p.Arg212Gln. This variant has been reported to segregate with disease in families with thoracic aortic aneurysm and dissection or related conditions (Guo et al. 2009. PubMed ID: 19409525; Morisaki et al. 2009. PubMed ID: 19639654; Regalado et al. 2015. PubMed ID: 25759435). In one individual, this variant was reported to occur de novo (Guo et al. 2009. PubMed ID: 19409525). This variant has not been reported in a large population database, indicating it is rare. This variant is interpreted as pathogenic.

Genomics England Pilot Project, Genomics England
Classification: Pathogenic for Aortic aneurysm, familial thoracic 6. Review status: no assertion criteria provided. Criteria: ACGS Guidelines, 2016. Collection method: clinical testing. Allele origin: germline. Affected: yes. Not counted in ClinVar's aggregate classification.

Literature cited by the submitters: PubMed 19409525 (cited by 6 submitters); PubMed 19639654 (cited by 6 submitters); PubMed 21248741 (cited by Color Diagnostics, LLC DBA Color Health and Women's Health and Genetics/Laboratory Corporation of America, LabCorp); PubMed 24793577 (cited by Color Diagnostics, LLC DBA Color Health and Ambry Genetics); PubMed 25759435 (cited by 3 submitters); PubMed 28855619 (cited by 3 submitters); PubMed 29687370 (cited by Color Diagnostics, LLC DBA Color Health and Illumina Laboratory Services, Illumina); PubMed 34422331 (cited by Color Diagnostics, LLC DBA Color Health); PubMed 37042257 (cited by Color Diagnostics, LLC DBA Color Health).

NM_001613.4(ACTA2):c.635G>A (p.Arg212Gln)

Genes: ACTA2-AS1 (ACTA2 antisense RNA 1; plus strand), ACTA2 (actin alpha 2, smooth muscle; minus strand). Cytogenetic location: 10q23.31.
Variant type: single nucleotide variant.
Coding change: c.635G>A on transcript NM_001613.4 (MANE Select); coding-DNA position 635, G replaced by A.
Protein change: p.Arg212Gln; replaces arginine 212 with glutamine.
Molecular consequence: missense variant. On other transcripts: non-coding transcript variant (1).
Genome position (GRCh38, 1-based): chr10:88,939,680, C>T on the plus strand (G>A on the coding strand, the complement: ACTA2 is on the minus strand). VCF-style: chr10-88939680-C-T. GRCh37 (hg19) VCF-style: chr10-90699437-C-T.
Other names: p.R212Q:CGG>CAG; c.635G>A, p.Arg212Gln (NM_001141945.3, NM_001320855.2, NM_001406462.1 and 2 more transcripts); c.524G>A, p.Arg175Gln (NM_001406466.1); c.506G>A, p.Arg169Gln (NM_001406467.1, NM_001406468.1, NM_001406469.1); short protein forms R212Q, R175Q, R169Q.
Identifiers: ClinVar variation 44219 (VCV000044219.36), dbSNP rs397516685, ClinGen allele CA006985.
Genomic context (GRCh38, chr10:88,939,680, plus strand): 5'-GCAGTGGCCATCTCATTTTCAAAGTCCAGAGCTACATAACACAGTTTCTCCTTGATGTCC[C>T]GGACAATCTCACGCTCAGCTGTCAACCAGATACAAACATTGTGGCAAACATTAGGGTCTG-3'
Protein context (NP_001604.1, residues 202-222): FVTTAEREIV[Arg212Gln]DIKEKLCYVA